The following is an entry in ClinVar:

ClinVar aggregate classification (germline): Uncertain significance (1 of 4 stars; one submission).

Allele frequency attached by ClinVar (database versions not stated): ExAC 0.00001; gnomAD exomes 0.00001; TOPMed 0.00014; 1000 Genomes Project 30x 0.00016; 1000 Genomes Project 0.00020; gnomAD 0.00025.
gnomAD v4.1: 58 of 1,613,908 alleles (0.0036%); highest among the groups gnomAD compares: Admixed American, 0.087%; no homozygotes.

Submission:

Labcorp Genetics (formerly Invitae), Labcorp
Classification: Uncertain significance. Last evaluated: 2022-03-31. Review status: criteria provided, single submitter. Criteria: Invitae Variant Classification Sherloc (09022015). Collection method: clinical testing. Allele origin: germline.
Comment: This variant is present in population databases (rs200999258, gnomAD 0.05%), and has an allele count higher than expected for a pathogenic variant. This sequence change replaces aspartic acid, which is acidic and polar, with glycine, which is neutral and non-polar, at codon 10 of the CAPN5 protein (p.Asp10Gly). This variant has not been reported in the literature in individuals affected with CAPN5-related conditions. In summary, the available evidence is currently insufficient to determine the role of this variant in disease. Therefore, it has been classified as a Variant of Uncertain Significance. Algorithms developed to predict the effect of missense changes on protein structure and function output the following: SIFT: "Tolerated"; PolyPhen-2: "Benign"; Align-GVGD: "Class C0". The glycine amino acid residue is found in multiple mammalian species, which suggests that this missense change does not adversely affect protein function.

NM_004055.5(CAPN5):c.29A>G (p.Asp10Gly)

Gene: CAPN5 (calpain 5; plus strand). Cytogenetic location: 11q13.5.
Variant type: single nucleotide variant.
Coding change: c.29A>G on transcript NM_004055.5 (MANE Select); coding-DNA position 29, A replaced by G.
Protein change: p.Asp10Gly; replaces aspartic acid 10 with glycine.
Molecular consequence: missense variant.
Genome position (GRCh38, 1-based): chr11:77,084,915, A>G. VCF-style: chr11-77084915-A-G. GRCh37 (hg19) VCF-style: chr11-76795961-A-G.
Other names: short protein forms D10G.
Identifiers: ClinVar variation 1951439 (VCV001951439.5), dbSNP rs200999258, ClinGen allele CA6196073.